The following is an entry in ClinVar:

ClinVar aggregate classification (germline): Uncertain significance (1 of 4 stars; one submission).

Submission:

Labcorp Genetics (formerly Invitae), Labcorp
Classification: Uncertain significance. Last evaluated: 2023-08-23. Review status: criteria provided, single submitter. Criteria: Invitae Variant Classification Sherloc (09022015). Collection method: clinical testing. Allele origin: germline.
Comment: This variant is not present in population databases (gnomAD no frequency). This variant has not been reported in the literature in individuals affected with CFH-related conditions. An algorithm developed to predict the effect of missense changes on protein structure and function (PolyPhen-2) suggests that this variant is likely to be disruptive. In summary, the available evidence is currently insufficient to determine the role of this variant in disease. Therefore, it has been classified as a Variant of Uncertain Significance. This sequence change replaces glutamine, which is neutral and polar, with lysine, which is basic and polar, at codon 426 of the CFH protein (p.Gln426Lys).

NM_000186.4(CFH):c.1276C>A (p.Gln426Lys)

Gene: CFH (complement factor H; plus strand). Cytogenetic location: 1q31.3.
Variant type: single nucleotide variant.
Coding change: c.1276C>A on transcript NM_000186.4 (MANE Select); coding-DNA position 1276, C replaced by A.
Protein change: p.Gln426Lys; replaces glutamine 426 with lysine.
Molecular consequence: missense variant.
Genome position (GRCh38, 1-based): chr1:196,690,179, C>A. VCF-style: chr1-196690179-C-A. GRCh37 (hg19) VCF-style: chr1-196659309-C-A.
Other names: c.1276C>A, p.Gln426Lys (NM_001014975.3); short protein forms Q426K.
Identifiers: ClinVar variation 2754753 (VCV002754753.3), dbSNP rs1667976038, ClinGen allele CA343980753.